The following is an entry in ClinVar:

NM_005506.4(SCARB2):c.705G>A (p.Thr235=)

Gene: SCARB2 (scavenger receptor class B member 2; minus strand). Cytogenetic location: 4q21.1.
Variant type: single nucleotide variant.
Coding change: c.705G>A on transcript NM_005506.4 (MANE Select); coding-DNA position 705, G replaced by A.
Protein change: p.Thr235=; no amino-acid change (threonine 235 retained).
Molecular consequence: synonymous variant.
Genome position (GRCh38, 1-based): chr4:76,175,910, C>T on the plus strand (G>A on the coding strand, the complement: SCARB2 is on the minus strand). VCF-style: chr4-76175910-C-T. GRCh37 (hg19) VCF-style: chr4-77097063-C-T.
Other names: c.276G>A, p.Arg92= (NM_001204255.2).
Identifiers: ClinVar variation 1060364 (VCV001060364.9), dbSNP rs2109943699, ClinGen allele CA439957286.

ClinVar aggregate classification (germline): Uncertain significance (1 of 4 stars; one submission).

Conditions:
Progressive myoclonic epilepsy. Also called: Familial progressive myoclonic epilepsy; Myoclonic Epilepsies, Progressive; Myoclonus epilepsy; Progressive myoclonus epilepsy. Identifiers: Orphanet 308, Orphanet 98261, MedGen C0751778, MONDO:0020074.

Allele frequency attached by ClinVar (database versions not stated): gnomAD exomes below 0.00001.
gnomAD v4.1: 7 of 1,613,550 alleles (0.00043%); highest among the groups gnomAD compares: Non-Finnish European, 0.00042%; no homozygotes.

Submission:

Labcorp Genetics (formerly Invitae), Labcorp
Classification: Uncertain significance for Progressive myoclonic epilepsy. Last evaluated: 2020-02-18. Review status: criteria provided, single submitter. Criteria: Invitae Variant Classification Sherloc (09022015). Collection method: clinical testing. Allele origin: germline.
Comment: In summary, the available evidence is currently insufficient to determine the role of this variant in disease. Therefore, it has been classified as a Variant of Uncertain Significance. Algorithms developed to predict the effect of sequence changes on RNA splicing suggest that this variant is not likely to affect RNA splicing, but this prediction has not been confirmed by published transcriptional studies. This variant has not been reported in the literature in individuals with SCARB2-related conditions. This variant is not present in population databases (ExAC no frequency). This sequence change affects codon 235 of the SCARB2 mRNA. It is a 'silent' change, meaning that it does not change the encoded amino acid sequence of the SCARB2 protein.